The following is an entry in ClinVar:

ClinVar aggregate classification (germline): Likely benign. Review status: criteria provided, multiple submitters, no conflicts (2 of 4 stars). 2 submissions from 2 submitters: Likely benign (2). Last evaluated 2025-09-28.

Conditions:
KMT2D-related disorder. Also called: KMT2D-Related Disorders.
Kabuki syndrome. Also called: NIIKAWA-KUROKI SYNDROME; Kabuki make-up syndrome. Identifiers: Orphanet 2322, MedGen C0796004, MONDO:0016512.

Allele frequency attached by ClinVar (database versions not stated): gnomAD 0.00001; gnomAD exomes 0.00001; TOPMed 0.00001; ExAC 0.00002.
gnomAD v4.1: 9 of 1,612,924 alleles (0.00056%); highest among the groups gnomAD compares: Non-Finnish European, 0.00068%; no homozygotes.

Submissions (2):

Labcorp Genetics (formerly Invitae), Labcorp
Classification: Likely benign for Kabuki syndrome. Last evaluated: 2025-09-28. Review status: criteria provided, single submitter. Criteria: Invitae Variant Classification Sherloc (09022015). Collection method: clinical testing. Allele origin: germline.

PreventionGenetics, part of Exact Sciences
Classification: Likely benign for KMT2D-related condition. Last evaluated: 2025-03-08. Review status: criteria provided, single submitter. Criteria: ACMG Guidelines, 2015. Collection method: clinical testing. Allele origin: germline.
Comment: This variant is classified as likely benign based on ACMG/AMP sequence variant interpretation guidelines (Richards et al. 2015 PMID: 25741868, with internal and published modifications).

NM_003482.4(KMT2D):c.3096G>C (p.Leu1032=)

Gene: KMT2D (lysine methyltransferase 2D; minus strand). Cytogenetic location: 12q13.12.
Variant type: single nucleotide variant.
Coding change: c.3096G>C on transcript NM_003482.4 (MANE Select); coding-DNA position 3096, G replaced by C.
Protein change: p.Leu1032=; no amino-acid change (leucine 1032 retained).
Molecular consequence: synonymous variant.
Genome position (GRCh38, 1-based): chr12:49,050,492, C>G on the plus strand (G>C on the coding strand, the complement: KMT2D is on the minus strand). VCF-style: chr12-49050492-C-G. GRCh37 (hg19) VCF-style: chr12-49444275-C-G.
Other names: c.3096G>C (NM_003482.3).
Identifiers: ClinVar variation 1648056 (VCV001648056.9), dbSNP rs766226783, ClinGen allele CA6548116.
Genomic context (GRCh38, chr12:49,050,492, plus strand): 5'-GGGAACGGACAGTGGTAGGGCAGGAGGAGAGCACTGGGAAGGAGGGGAGTTTTGGGGAAC[C>G]AGGGAATGCTGAAGGAGTGGCGAACACTGAGGAGGAAGGGGCTCCATCAGGATGGGAGAA-3'
Protein context (NP_003473.3, residues 1022-1042): PQCSPLLQHS[Leu1032=]VPQNSPPSQC